The following is an entry in ClinVar:

NM_001258392.3(CLPB):c.1164C>G (p.His388Gln)

Genes: CLPB (ClpB family mitochondrial disaggregase; minus strand), LOC126861258 (MED14-independent group 3 enhancer GRCh37_chr11:72012242-72013441; plus strand). Cytogenetic location: 11q13.4.
Variant type: single nucleotide variant.
Coding change: c.1164C>G on transcript NM_001258392.3 (MANE Select); coding-DNA position 1164, C replaced by G.
Protein change: p.His388Gln; replaces histidine 388 with glutamine.
Molecular consequence: missense variant.
Genome position (GRCh38, 1-based): chr11:72,302,307, G>C on the plus strand (C>G on the coding strand, the complement: CLPB is on the minus strand). VCF-style: chr11-72302307-G-C. GRCh37 (hg19) VCF-style: chr11-72013351-G-C.
Other names: c.1077C>G, p.His359Gln (NM_001258393.3); c.1119C>G, p.His373Gln (NM_001258394.3); c.1254C>G, p.His418Gln (NM_030813.6); c.1254C>G (NM_030813.3); short protein forms H359Q, H388Q, H418Q, H373Q.
Identifiers: ClinVar variation 1403614 (VCV001403614.9), dbSNP rs202009794, ClinGen allele CA6171250.
Genomic context (GRCh38, chr11:72,302,307, plus strand): 5'-CAGTCATGCTGACAAGCCCTCCAAACCATGCTTCAATCAAGGACTGTCATCACTCACCTC[G>C]TGTCGCTCCTGGAACTCGGACATGTCCAGCCTGATGAAGCCCTGTGTGGAAACAAGCAAG-3'
Protein context (NP_001245321.1, residues 378-398): RLDMSEFQER[His388Gln]EVAKFIGSPP

ClinVar aggregate classification (germline): Uncertain significance. Review status: criteria provided, multiple submitters, no conflicts (2 of 4 stars). 2 submissions from 2 submitters: Uncertain significance (2). Last evaluated 2021-11-22.

Conditions:
Inborn genetic diseases. Identifiers: MedGen C0950123, MeSH D030342.
3-methylglutaconic aciduria, type VIIB (MGCA7B). Also called: CLPB Deficiency; 3-methylglutaconic aciduria with cataracts, neurologic involvement and neutropenia; 3-methylglutaconic aciduria, type VII, with cataracts, neurologic involvement and neutropenia. Identifiers: Orphanet 445038, MedGen C5676893, MONDO:0014561, OMIM 616271.

gnomAD v4.1: 3 of 1,614,038 alleles (0.00019%); highest among the groups gnomAD compares: Admixed American, 0.0033%; no homozygotes.

Submissions (2):

Ambry Genetics
Classification: Uncertain significance for Inborn genetic diseases. Last evaluated: 2021-11-22. Review status: criteria provided, single submitter. Criteria: Ambry Variant Classification Scheme 2023. Collection method: clinical testing. Allele origin: germline.

Labcorp Genetics (formerly Invitae), Labcorp
Classification: Uncertain significance for 3-methylglutaconic aciduria, type VIIB. Last evaluated: 2021-01-14. Review status: criteria provided, single submitter. Criteria: Invitae Variant Classification Sherloc (09022015). Collection method: clinical testing. Allele origin: germline.
Comment: In summary, the available evidence is currently insufficient to determine the role of this variant in disease. Therefore, it has been classified as a Variant of Uncertain Significance. Algorithms developed to predict the effect of missense changes on protein structure and function are either unavailable or do not agree on the potential impact of this missense change (SIFT: "Tolerated"; PolyPhen-2: "Probably Damaging"; Align-GVGD: "Class C0"). This variant has not been reported in the literature in individuals with CLPB-related conditions. This variant is present in population databases (rs202009794, ExAC 0.009%). This sequence change replaces histidine with glutamine at codon 418 of the CLPB protein (p.His418Gln). The histidine residue is moderately conserved and there is a small physicochemical difference between histidine and glutamine.